The following is an entry in ClinVar:

ClinVar aggregate classification (germline): Conflicting classifications of pathogenicity. Review status: criteria provided, conflicting classifications (1 of 4 stars). 3 submissions from 3 submitters: Uncertain significance (1); Likely benign (1). 1 of the submissions does not count toward it. Last evaluated 2025-04-27.

Conditions:
CYP7A1-related disorder. Also called: CYP7A1-related condition.

Allele frequency attached by ClinVar (database versions not stated): gnomAD exomes 0.00004 and 0.00017; gnomAD 0.00005 and 0.00007; TOPMed 0.00009; ExAC 0.00015; 1000 Genomes Project 0.00080; 1000 Genomes Project 30x 0.00109.
gnomAD v4.1: 72 of 1,613,798 alleles (0.0045%); highest among the groups gnomAD compares: East Asian, 0.14%; no homozygotes.

Submissions (3):

Labcorp Genetics (formerly Invitae), Labcorp
Classification: Likely benign. Last evaluated: 2025-04-27. Review status: criteria provided, single submitter. Criteria: Invitae Variant Classification Sherloc (09022015). Collection method: clinical testing. Allele origin: germline.

Eurofins Ntd Llc (ga)
Classification: Uncertain significance. Last evaluated: 2016-03-25. Review status: criteria provided, single submitter. Criteria: EGL Classification Definitions 2015. Collection method: clinical testing. Allele origin: germline. Observed: 1 variant allele, 1 heterozygote.

PreventionGenetics, part of Exact Sciences
Classification: Likely benign for CYP7A1-related condition. Last evaluated: 2022-07-12. Review status: no assertion criteria provided. Collection method: clinical testing. Allele origin: germline. Not counted in ClinVar's aggregate classification.
Comment: This variant is classified as likely benign based on ACMG/AMP sequence variant interpretation guidelines (Richards et al. 2015 PMID: 25741868, with internal and published modifications).

NM_000780.4(CYP7A1):c.1292A>G (p.Lys431Arg)

Gene: CYP7A1 (cytochrome P450 family 7 subfamily A member 1; minus strand). Cytogenetic location: 8q12.1.
Variant type: single nucleotide variant.
Coding change: c.1292A>G on transcript NM_000780.4 (MANE Select); coding-DNA position 1292, A replaced by G.
Protein change: p.Lys431Arg; replaces lysine 431 with arginine.
Molecular consequence: missense variant.
Genome position (GRCh38, 1-based): chr8:58,491,698, T>C on the plus strand (A>G on the coding strand, the complement: CYP7A1 is on the minus strand). VCF-style: chr8-58491698-T-C. GRCh37 (hg19) VCF-style: chr8-59404257-T-C.
Other names: c.1292A>G (NM_000780.3); short protein forms K431R.
Identifiers: ClinVar variation 287207 (VCV000287207.8), dbSNP rs151122002, ClinGen allele CA4756578.